The following is an entry in ClinVar:

NC_000003.11:g.(?_38180153)_(38182777_?)del

Gene: MYD88 (MYD88 innate immune signal transduction adaptor; plus strand). Cytogenetic location: 3p22.2.
Variant type: Deletion.
Identifiers: ClinVar variation 3246904 (VCV003246904.1).

ClinVar aggregate classification (germline): Pathogenic (1 of 4 stars; one submission).

Conditions:
Pyogenic bacterial infections due to MyD88 deficiency (IMD68). Also called: PYOGENIC BACTERIAL INFECTIONS, RECURRENT, DUE TO MYD88 DEFICIENCY. Identifiers: Orphanet 183713, MedGen C2677092, MONDO:0012839, OMIM 612260.

Submission:

Labcorp Genetics (formerly Invitae), Labcorp
Classification: Pathogenic for Pyogenic bacterial infections due to MyD88 deficiency. Last evaluated: 2023-10-22. Review status: criteria provided, single submitter. Criteria: Invitae Variant Classification Sherloc (09022015). Collection method: clinical testing. Allele origin: unknown.
Comment: A gross deletion of the genomic region encompassing the full coding sequence of the MYD88 gene has been identified. Loss-of-function variants in MYD88 are known to be pathogenic (PMID: 18669862, 20538326). The boundaries of this event are unknown as they extend beyond the assayed region for this gene and therefore may encompass additional genes. This variant has not been reported in the literature in individuals affected with MYD88-related conditions. For these reasons, this variant has been classified as Pathogenic.

Literature cited by the submitters: PubMed 18669862; PubMed 20538326.